The following is an entry in ClinVar:

NM_014679.5(CEP57):c.365A>C (p.Glu122Ala)

Gene: CEP57 (centrosomal protein 57; plus strand). Cytogenetic location: 11q21.
Variant type: single nucleotide variant.
Coding change: c.365A>C on transcript NM_014679.5 (MANE Select); coding-DNA position 365, A replaced by C.
Protein change: p.Glu122Ala; replaces glutamic acid 122 with alanine.
Molecular consequence: missense variant.
Genome position (GRCh38, 1-based): chr11:95,813,094, A>C. VCF-style: chr11-95813094-A-C. GRCh37 (hg19) VCF-style: chr11-95546258-A-C.
Other names: c.338A>C, p.Glu113Ala (NM_001243776.2); c.365A>C, p.Glu122Ala (NM_001243777.2); c.284A>C, p.Glu95Ala (NM_001363604.2); short protein forms E113A, E95A, E122A.
Identifiers: ClinVar variation 954695 (VCV000954695.10), dbSNP rs758749076, ClinGen allele CA382421084.

ClinVar aggregate classification (germline): Uncertain significance. Review status: criteria provided, multiple submitters, no conflicts (2 of 4 stars). 2 submissions from 2 submitters: Uncertain significance (2). Last evaluated 2025-02-21.

Conditions:
Inborn genetic diseases. Identifiers: MedGen C0950123, MeSH D030342.
Mosaic variegated aneuploidy syndrome 2 (MVA2). Identifiers: Orphanet 1052, MedGen C3279843, MONDO:0013582, OMIM 614114.

Submissions (2):

Ambry Genetics
Classification: Uncertain significance for Inborn genetic diseases. Last evaluated: 2025-02-21. Review status: criteria provided, single submitter. Criteria: Ambry Variant Classification Scheme 2023. Collection method: clinical testing. Allele origin: germline.
Comment: The p.E122A variant (also known as c.365A>C), located in coding exon 3 of the CEP57 gene, results from an A to C substitution at nucleotide position 365. The glutamic acid at codon 122 is replaced by alanine, an amino acid with dissimilar properties. This amino acid position is conserved. In addition, the in silico prediction for this alteration is inconclusive. Based on the available evidence, the clinical significance of this variant remains unclear.

Labcorp Genetics (formerly Invitae), Labcorp
Classification: Uncertain significance for Mosaic variegated aneuploidy syndrome 2. Last evaluated: 2019-09-01. Review status: criteria provided, single submitter. Criteria: Invitae Variant Classification Sherloc (09022015). Collection method: clinical testing. Allele origin: germline.
Comment: This sequence change replaces glutamic acid with alanine at codon 122 of the CEP57 protein (p.Glu122Ala). The glutamic acid residue is moderately conserved and there is a moderate physicochemical difference between glutamic acid and alanine. This variant is not present in population databases (ExAC no frequency). In summary, the available evidence is currently insufficient to determine the role of this variant in disease. Therefore, it has been classified as a Variant of Uncertain Significance. Algorithms developed to predict the effect of missense changes on protein structure and function are either unavailable or do not agree on the potential impact of this missense change (SIFT: "Tolerated"; PolyPhen-2: "Probably Damaging"; Align-GVGD: "Class C0"). This variant has not been reported in the literature in individuals with CEP57-related conditions.